The following is an entry in ClinVar:

ClinVar aggregate classification (germline): Uncertain significance. Review status: criteria provided, single submitter (1 of 4 stars). 2 submissions from 2 submitters: Uncertain significance (1). 1 of the submissions does not count toward it. Last evaluated 2022-12-17.

Conditions:
EEF1A2-related disorder. Also called: EEF1A2-related disorders; EEF1A2-related condition.
Developmental and epileptic encephalopathy, 33 (DEE33). Also called: Epileptic encephalopathy, early infantile, 33. Identifiers: Orphanet 442835, MedGen C4225337, MONDO:0014625, OMIM 616409.

Submissions (2):

Labcorp Genetics (formerly Invitae), Labcorp
Classification: Uncertain significance for Developmental and epileptic encephalopathy, 33. Last evaluated: 2022-12-17. Review status: criteria provided, single submitter. Criteria: Invitae Variant Classification Sherloc (09022015). Collection method: clinical testing. Allele origin: germline.
Comment: In summary, the available evidence is currently insufficient to determine the role of this variant in disease. Therefore, it has been classified as a Variant of Uncertain Significance. Algorithms developed to predict the effect of missense changes on protein structure and function are either unavailable or do not agree on the potential impact of this missense change (SIFT: "Not Available"; PolyPhen-2: "Possibly Damaging"; Align-GVGD: "Not Available"). This variant has not been reported in the literature in individuals affected with EEF1A2-related conditions. This variant is not present in population databases (gnomAD no frequency). This sequence change replaces alanine, which is neutral and non-polar, with valine, which is neutral and non-polar, at codon 109 of the EEF1A2 protein (p.Ala109Val).

PreventionGenetics, part of Exact Sciences
Classification: Uncertain significance for EEF1A2-related condition. Last evaluated: 2024-04-17. Review status: no assertion criteria provided. Collection method: clinical testing. Allele origin: germline. Not counted in ClinVar's aggregate classification.
Comment: The EEF1A2 c.326C>T variant is predicted to result in the amino acid substitution p.Ala109Val. To our knowledge, this variant has not been reported in the literature or in a large population database, indicating this variant is rare. Although we suspect that this variant may be pathogenic, at this time, the clinical significance of this variant is uncertain due to the absence of conclusive functional and genetic evidence.

NM_001958.5(EEF1A2):c.326C>T (p.Ala109Val)

Gene: EEF1A2 (eukaryotic translation elongation factor 1 alpha 2; minus strand). Cytogenetic location: 20q13.33.
Variant type: single nucleotide variant.
Coding change: c.326C>T on transcript NM_001958.5 (MANE Select); coding-DNA position 326, C replaced by T.
Protein change: p.Ala109Val; replaces alanine 109 with valine.
Molecular consequence: missense variant.
Genome position (GRCh38, 1-based): chr20:63,495,100, G>A on the plus strand (C>T on the coding strand, the complement: EEF1A2 is on the minus strand). VCF-style: chr20-63495100-G-A. GRCh37 (hg19) VCF-style: chr20-62126453-G-A.
Other names: c.326C>T (NM_001958.3); short protein forms A109V.
Identifiers: ClinVar variation 2811004 (VCV002811004.4), dbSNP rs2516783583, ClinGen allele CA409650535.